The following is an entry in ClinVar:

NM_015047.3(EMC1):c.885G>C (p.Leu295Phe)

Genes: EMC1 (ER membrane protein complex subunit 1; minus strand), EMC1-AS1 (EMC1 antisense RNA 1; plus strand). Cytogenetic location: 1p36.13.
Variant type: single nucleotide variant.
Coding change: c.885G>C on transcript NM_015047.3 (MANE Select); coding-DNA position 885, G replaced by C.
Protein change: p.Leu295Phe; replaces leucine 295 with phenylalanine.
Molecular consequence: missense variant.
Genome position (GRCh38, 1-based): chr1:19,239,887, C>G on the plus strand (G>C on the coding strand, the complement: EMC1 is on the minus strand). VCF-style: chr1-19239887-C-G. GRCh37 (hg19) VCF-style: chr1-19566381-C-G.
Other names: c.885G>C, p.Leu295Phe (NM_001271427.2, NM_001271428.2, NM_001375820.1 and 1 more transcripts); c.819G>C, p.Leu273Phe (NM_001271429.2); short protein forms L273F, L295F.
Identifiers: ClinVar variation 2132048 (VCV002132048.5), dbSNP rs761385909, ClinGen allele CA338768135.
Genomic context (GRCh38, chr1:19,239,887, plus strand): 5'-GTTTTTAAGCAAACTCAGCGTTCCATAATGGTACTGCAGCAGAGCATAGTGGCTTGGGGA[C>G]AAGTGCAGGAAGAACTGGGCCCGGGAAGCGTCCACTGGGTTGGGCTGGGTAGGCAGGACC-3'
Protein context (NP_055862.1, residues 285-305): DASRAQFFLH[Leu295Phe]SPSHYALLQY

ClinVar aggregate classification (germline): Uncertain significance. Review status: criteria provided, multiple submitters, no conflicts (2 of 4 stars). 2 submissions from 2 submitters: Uncertain significance (2). Last evaluated 2026-04-01.

Allele frequency attached by ClinVar (database versions not stated): gnomAD exomes below 0.00001; gnomAD 0.00001; TOPMed 0.00001.
gnomAD v4.1: 3 of 1,613,972 alleles (0.00019%); highest among the groups gnomAD compares: Admixed American, 0.0017%; no homozygotes.

Submissions (2):

Greenwood Genetic Center Diagnostic Laboratories, Greenwood Genetic Center
Classification: Uncertain significance. Last evaluated: 2026-04-01. Review status: criteria provided, single submitter. Criteria: ACMG Guidelines, 2015. Collection method: clinical testing. Allele origin: germline.
Comment: PM2, BP4

Labcorp Genetics (formerly Invitae), Labcorp
Classification: Uncertain significance. Last evaluated: 2022-11-22. Review status: criteria provided, single submitter. Criteria: Invitae Variant Classification Sherloc (09022015). Collection method: clinical testing. Allele origin: germline.
Comment: This variant has not been reported in the literature in individuals affected with EMC1-related conditions. This variant is present in population databases (no rsID available, gnomAD 0.004%). This sequence change replaces leucine, which is neutral and non-polar, with phenylalanine, which is neutral and non-polar, at codon 295 of the EMC1 protein (p.Leu295Phe). Advanced modeling of protein sequence and biophysical properties (such as structural, functional, and spatial information, amino acid conservation, physicochemical variation, residue mobility, and thermodynamic stability) performed at Invitae indicates that this missense variant is not expected to disrupt EMC1 protein function. In summary, the available evidence is currently insufficient to determine the role of this variant in disease. Therefore, it has been classified as a Variant of Uncertain Significance.